The following is an entry in ClinVar:

NM_002769.5(PRSS1):c.380C>T (p.Ser127Phe)

Genes: PRSS1 (serine protease 1; plus strand), TRB (T cell receptor beta locus; plus strand). Cytogenetic location: 7q34.
Variant type: single nucleotide variant.
Coding change: c.380C>T on transcript NM_002769.5 (MANE Select); coding-DNA position 380, C replaced by T.
Protein change: p.Ser127Phe; replaces serine 127 with phenylalanine.
Molecular consequence: missense variant. On other transcripts: non-coding transcript variant (5).
Genome position (GRCh38, 1-based): chr7:142,751,953, C>T. VCF-style: chr7-142751953-C-T. GRCh37 (hg19) VCF-style: chr7-142459804-C-T.
Other names: short protein forms S127F.
Identifiers: ClinVar variation 2448222 (VCV002448222.3), dbSNP rs2485754302, ClinGen allele CA369609005.

ClinVar aggregate classification (germline): Uncertain significance (1 of 4 stars; one submission).

Conditions:
Hereditary pancreatitis (PCTT). Also called: Hereditary chronic pancreatitis; PRSS1-Related Hereditary Pancreatitis. Identifiers: Orphanet 676, MedGen C0238339, MONDO:0008185, OMIM 167800.

Submission:

Ambry Genetics
Classification: Uncertain significance for Hereditary pancreatitis. Last evaluated: 2025-11-19. Review status: criteria provided, single submitter. Criteria: Ambry Variant Classification Scheme 2023. Collection method: clinical testing. Allele origin: germline.
Comment: The p.S127F variant (also known as c.380C>T), located in coding exon 3 of the PRSS1 gene, results from a C to T substitution at nucleotide position 380. The serine at codon 127 is replaced by phenylalanine, an amino acid with highly dissimilar properties. This amino acid position is conserved. In addition, the in silico prediction for this alteration is inconclusive. Since supporting evidence is limited at this time, the clinical significance of this alteration remains unclear.